The following is an entry in ClinVar:

ClinVar aggregate classification (germline): Uncertain significance (1 of 4 stars; one submission).

Conditions:
Fanconi anemia complementation group O. Also called: RAD51C-Related Fanconi Anemia. Identifiers: Orphanet 84, MedGen C3150653, MONDO:0013248, OMIM 613390.

Submission:

Labcorp Genetics (formerly Invitae), Labcorp
Classification: Uncertain significance for Fanconi anemia complementation group O. Last evaluated: 2024-11-07. Review status: criteria provided, single submitter. Criteria: Invitae Variant Classification Sherloc (09022015). Collection method: clinical testing. Allele origin: germline.
Comment: This sequence change replaces glutamic acid, which is acidic and polar, with valine, which is neutral and non-polar, at codon 190 of the RAD51C protein (p.Glu190Val). This variant is not present in population databases (gnomAD no frequency). This variant has not been reported in the literature in individuals affected with RAD51C-related conditions. An algorithm developed to predict the effect of missense changes on protein structure and function (PolyPhen-2) suggests that this variant is likely to be tolerated. In summary, the available evidence is currently insufficient to determine the role of this variant in disease. Therefore, it has been classified as a Variant of Uncertain Significance.

NM_058216.3(RAD51C):c.569A>T (p.Glu190Val)

Gene: RAD51C (RAD51 paralog C; plus strand). Cytogenetic location: 17q22.
Variant type: single nucleotide variant.
Coding change: c.569A>T on transcript NM_058216.3 (MANE Select); coding-DNA position 569, A replaced by T.
Protein change: p.Glu190Val; replaces glutamic acid 190 with valine.
Molecular consequence: missense variant.
Genome position (GRCh38, 1-based): chr17:58,696,857, A>T. VCF-style: chr17-58696857-A-T. GRCh37 (hg19) VCF-style: chr17-56774218-A-T.
Other names: short protein forms E190V.
Identifiers: ClinVar variation 3724817 (VCV003724817.2).